The following is an entry in ClinVar:

ClinVar aggregate classification (germline): Uncertain significance. Review status: criteria provided, multiple submitters, no conflicts (2 of 4 stars). 3 submissions from 3 submitters: Uncertain significance (3). Last evaluated 2026-01-26.

Conditions:
Cataract 9 multiple types. Also called: Cataract 9, multiple types, with or without microcornea; Cataract, autosomal recessive congenital 1. Identifiers: Orphanet 1377, MedGen C1858679, MONDO:0011413, OMIM 604219.

Allele frequency attached by ClinVar (database versions not stated): gnomAD 0.00003; ExAC 0.00010; gnomAD exomes 0.00012; ESP Exome Variant Server 0.00015.

Submissions (3):

Labcorp Genetics (formerly Invitae), Labcorp
Classification: Uncertain significance for Cataract 9 multiple types. Last evaluated: 2026-01-26. Review status: criteria provided, single submitter. Criteria: Invitae Variant Classification Sherloc (09022015). Collection method: clinical testing. Allele origin: germline.
Comment: This sequence change replaces alanine, which is neutral and non-polar, with aspartic acid, which is acidic and polar, at codon 155 of the CRYAA protein (p.Ala155Asp). This variant is present in population databases (rs143992484, gnomAD 0.02%). This variant has not been reported in the literature in individuals affected with CRYAA-related conditions. ClinVar contains an entry for this variant (Variation ID: 340102). An algorithm developed to predict the effect of missense changes on protein structure and function (PolyPhen-2) suggests that this variant is likely to be tolerated. In summary, the available evidence is currently insufficient to determine the role of this variant in disease. Therefore, it has been classified as a Variant of Uncertain Significance.

Ambry Genetics
Classification: Uncertain significance. Last evaluated: 2021-07-08. Review status: criteria provided, single submitter. Criteria: Ambry Variant Classification Scheme 2023. Collection method: clinical testing. Allele origin: germline.

Illumina Laboratory Services, Illumina
Classification: Uncertain significance for Cataract 9 multiple types. Last evaluated: 2018-01-13. Review status: criteria provided, single submitter. Criteria: ICSL Variant Classification Criteria 13 December 2019. Collection method: clinical testing. Allele origin: germline.

NM_000394.4(CRYAA):c.464C>A (p.Ala155Asp)

Gene: CRYAA (crystallin alpha A; plus strand). Cytogenetic location: 21q22.3.
Variant type: single nucleotide variant.
Coding change: c.464C>A on transcript NM_000394.4 (MANE Select); coding-DNA position 464, C replaced by A.
Protein change: p.Ala155Asp; replaces alanine 155 with aspartic acid.
Molecular consequence: missense variant.
Genome position (GRCh38, 1-based): chr21:43,172,222, C>A. VCF-style: chr21-43172222-C-A. GRCh37 (hg19) VCF-style: chr21-44592332-C-A.
Other names: c.353C>A, p.Ala118Asp (NM_001363766.1); short protein forms A155D, A118D.
Identifiers: ClinVar variation 340102 (VCV000340102.8), dbSNP rs143992484, ClinGen allele CA10650566.